The following is an entry in ClinVar:

ClinVar aggregate classification (germline): Uncertain significance (1 of 4 stars; one submission).

Submission:

CeGaT Center for Human Genetics Tuebingen
Classification: Uncertain significance. Last evaluated: 2023-09-01. Review status: criteria provided, single submitter. Criteria: CeGaT Center For Human Genetics Tuebingen Variant Classification Criteria Version 2. Collection method: clinical testing. Allele origin: germline. Affected: yes. Observed: 1 variant allele.
Comment: HTRA1: PM2

NM_002775.5(HTRA1):c.112C>G (p.Pro38Ala)

Gene: HTRA1 (HtrA serine peptidase 1; plus strand). Cytogenetic location: 10q26.13.
Variant type: single nucleotide variant.
Coding change: c.112C>G on transcript NM_002775.5 (MANE Select); coding-DNA position 112, C replaced by G.
Protein change: p.Pro38Ala; replaces proline 38 with alanine.
Molecular consequence: missense variant.
Genome position (GRCh38, 1-based): chr10:122,461,764, C>G. VCF-style: chr10-122461764-C-G. GRCh37 (hg19) VCF-style: chr10-124221280-C-G.
Other names: short protein forms P38A.
Identifiers: ClinVar variation 2640905 (VCV002640905.24), dbSNP rs2097481408, ClinGen allele CA378605513.
Genomic context (GRCh38, chr10:122,461,764, plus strand): 5'-GCGCCCGCCTCGGCGCAGCTGTCCCGGGCCGGCCGCTCGGCGCCTTTGGCCGCCGGGTGC[C>G]CAGACCGCTGCGAGCCGGCGCGCTGCCCGCCGCAGCCGGAGCACTGCGAGGGCGGCCGGG-3'
Protein context (NP_002766.1, residues 28-48): GRSAPLAAGC[Pro38Ala]DRCEPARCPP